The following is an entry in ClinVar:

NM_024496.4(IRF2BPL):c.1341G>A (p.Lys447=)

Gene: IRF2BPL (interferon regulatory factor 2 binding protein like; minus strand). Cytogenetic location: 14q24.3.
Variant type: single nucleotide variant.
Coding change: c.1341G>A on transcript NM_024496.4 (MANE Select); coding-DNA position 1341, G replaced by A.
Protein change: p.Lys447=; no amino-acid change (lysine 447 retained).
Molecular consequence: synonymous variant.
Genome position (GRCh38, 1-based): chr14:77,026,452, C>T on the plus strand (G>A on the coding strand, the complement: IRF2BPL is on the minus strand). VCF-style: chr14-77026452-C-T. GRCh37 (hg19) VCF-style: chr14-77492795-C-T.
Identifiers: ClinVar variation 3050171 (VCV003050171.2), dbSNP rs367554169, ClinGen allele CA263778191.

ClinVar aggregate classification (germline): Likely benign (0 of 4 stars; one submission).

Conditions:
IRF2BPL-related disorder. Also called: IRF2BPL-related condition. Identifiers: MedGen CN381093.

Allele frequency attached by ClinVar (database versions not stated): gnomAD 0.00001; TOPMed 0.00002; ESP Exome Variant Server 0.00008.
gnomAD v4.1: 13 of 1,613,470 alleles (0.00081%); highest among the groups gnomAD compares: Non-Finnish European, 0.0011%; no homozygotes.

Submission:

PreventionGenetics, part of Exact Sciences
Classification: Likely benign for IRF2BPL-related condition. Last evaluated: 2019-07-10. Review status: no assertion criteria provided. Collection method: clinical testing. Allele origin: germline.
Comment: This variant is classified as likely benign based on ACMG/AMP sequence variant interpretation guidelines (Richards et al. 2015 PMID: 25741868, with internal and published modifications).